The following is an entry in ClinVar:

ClinVar aggregate classification (germline): Conflicting classifications of pathogenicity. Review status: criteria provided, conflicting classifications (1 of 4 stars). 6 submissions from 6 submitters: Uncertain significance (3); Likely benign (1). 2 of the submissions do not count toward it. Last evaluated 2025-11-06.

Conditions:
Episodic ataxia type 2 (EA2). Also called: ACETAZOLAMIDE-RESPONSIVE HEREDITARY PAROXYSMAL CEREBELLAR ATAXIA; CEREBELLAR ATAXIA, PAROXYSMAL, ACETAZOLAMIDE-RESPONSIVE; CEREBELLOPATHY, HEREDITARY PAROXYSMAL; EPISODIC ATAXIA, NYSTAGMUS-ASSOCIATED; ATAXIA, EPISODIC, WITH NYSTAGMUS; ATAXIA, FAMILIAL PAROXYSMAL. Identifiers: Orphanet 97, MedGen C1720416, MONDO:0007163, OMIM 108500.
Developmental and epileptic encephalopathy, 42 (DEE42A). Also called: DEVELOPMENTAL AND EPILEPTIC ENCEPHALOPATHY 42A; EPILEPTIC ENCEPHALOPATHY, EARLY INFANTILE, 42A; Epileptic encephalopathy, early infantile, 42. Identifiers: MedGen C4310716, MONDO:0014917, OMIM 617106.
Inborn genetic diseases. Identifiers: MedGen C0950123, MeSH D030342.

Allele frequency attached by ClinVar (database versions not stated): gnomAD exomes 0.00001; gnomAD 0.00006; TOPMed 0.00007.
gnomAD v4.1: 48 of 1,613,488 alleles (0.003%); highest among the groups gnomAD compares: Non-Finnish European, 0.0036%; no homozygotes.

Submissions (6):

GeneDx
Classification: Uncertain significance. Last evaluated: 2025-11-06. Review status: criteria provided, single submitter. Criteria: GeneDx Variant Classification Process June 2021. Collection method: clinical testing. Allele origin: germline. Affected: yes.
Comment: Reported as heterozygous in a patient diagnosed with episodic ataxia type 2 in published literature (PMID: 20663518); Reported in a proband with muscle weakness as well as in the proband's asymptomatic mother and symptomatic brother, but detailed clinical information on this family was not provided (PMID: 34806130); Not observed at significant frequency in large population cohorts (gnomAD); In silico analysis supports that this missense variant has a deleterious effect on protein structure/function; This variant is associated with the following publications: (PMID: 20663518, 34806130)

Labcorp Genetics (formerly Invitae), Labcorp
Classification: Likely benign for Developmental and epileptic encephalopathy, 42; Episodic ataxia type 2. Last evaluated: 2025-08-15. Review status: criteria provided, single submitter. Criteria: Invitae Variant Classification Sherloc (09022015). Collection method: clinical testing. Allele origin: germline.

Ambry Genetics
Classification: Uncertain significance for Inborn genetic diseases. Last evaluated: 2024-02-20. Review status: criteria provided, single submitter. Criteria: Ambry Variant Classification Scheme 2023. Collection method: clinical testing. Allele origin: germline.
Comment: Unlikely to be causative of CACNA1A-related spinocerebellar ataxia (AD) or CACNA1A-related neurologic disorder (AD) Based on insufficient or conflicting evidence, the clinical significance of this alteration remains unclear.

Athena Diagnostics
Classification: Uncertain significance. Last evaluated: 2018-03-06. Review status: criteria provided, single submitter. Criteria: Athena Diagnostics Criteria. Collection method: clinical testing. Allele origin: germline.

Diagnostic Laboratory, Department of Genetics, University Medical Center Groningen
Classification: Uncertain significance. Review status: no assertion criteria provided. Collection method: clinical testing. Allele origin: germline. Affected: yes. Study: VKGL Data-share Consensus. Not counted in ClinVar's aggregate classification.

Joint Genome Diagnostic Labs from Nijmegen and Maastricht, Radboudumc and MUMC+
Classification: Uncertain significance. Review status: no assertion criteria provided. Collection method: clinical testing. Allele origin: germline. Affected: yes. Study: VKGL Data-share Consensus. Not counted in ClinVar's aggregate classification.

Literature cited by the submitters: PubMed 20663518 (cited by Ambry Genetics and Athena Diagnostics).

NM_001127222.2(CACNA1A):c.6266G>A (p.Arg2089Gln)

Gene: CACNA1A (calcium voltage-gated channel subunit alpha1 A; minus strand). Cytogenetic location: 19p13.13.
Variant type: single nucleotide variant.
Coding change: c.6266G>A on transcript NM_001127222.2 (MANE Select); coding-DNA position 6266, G replaced by A.
Protein change: p.Arg2089Gln; replaces arginine 2089 with glutamine.
Molecular consequence: missense variant.
Genome position (GRCh38, 1-based): chr19:13,212,140, C>T on the plus strand (G>A on the coding strand, the complement: CACNA1A is on the minus strand). VCF-style: chr19-13212140-C-T. GRCh37 (hg19) VCF-style: chr19-13322954-C-T.
Other names: c.6284G>A, p.Arg2095Gln (NM_000068.4, NM_023035.3); c.6269G>A, p.Arg2090Gln (NM_001127221.2); c.6275G>A, p.Arg2092Gln (NM_001174080.2); short protein forms R2090Q, R2095Q, R2089Q, R2092Q.
Identifiers: ClinVar variation 585581 (VCV000585581.20), dbSNP rs1033214914, ClinGen allele CA305550452.
Genomic context (GRCh38, chr19:13,212,140, plus strand): 5'-AGGGCAGTGGTGAAAGCCCTCACCTGGTTCTCTGCAGGGAGGCGGGGCATGGAGGCAGCC[C>T]GGCCCTGGCCTTCCATGGGGAGGTAGTGCTCGCTGTCGGAGTAGCCATCTCTGCCCATCT-3'
Protein context (NP_001120694.1, residues 2079-2099): EHYLPMEGQG[Arg2089Gln]AASMPRLPAE